The following is an entry in ClinVar:

ClinVar aggregate classification (germline): Benign/Likely benign. Review status: criteria provided, multiple submitters, no conflicts (2 of 4 stars). 2 submissions from 2 submitters: Benign (1); Likely benign (1). Last evaluated 2026-04-30.

Conditions:
Colorectal cancer, hereditary nonpolyposis, type 7. Identifiers: Orphanet 144, MedGen C1858380, MONDO:0013725, OMIM 614385.

Submissions (2):

Myriad Genetics, Inc.
Classification: Benign for Colorectal cancer, hereditary nonpolyposis, type 7. Last evaluated: 2026-04-30. Review status: criteria provided, single submitter. Criteria: Myriad Autosomal Dominant, Autosomal Recessive and X-Linked Classification Criteria (2023). Collection method: clinical testing. Allele origin: unknown.
Comment: This variant is considered benign. This variant is a silent/synonymous amino acid change and it is not expected to impact splicing.

Ambry Genetics
Classification: Likely benign. Last evaluated: 2022-03-25. Review status: criteria provided, single submitter. Criteria: Ambry Variant Classification Scheme 2023. Collection method: clinical testing. Allele origin: germline.

NM_001040108.2(MLH3):c.1308T>C (p.Asn436=)

Gene: MLH3 (mutL homolog 3; minus strand). Cytogenetic location: 14q24.3.
Variant type: single nucleotide variant.
Coding change: c.1308T>C on transcript NM_001040108.2 (MANE Select); coding-DNA position 1308, T replaced by C.
Protein change: p.Asn436=; no amino-acid change (asparagine 436 retained).
Molecular consequence: synonymous variant.
Genome position (GRCh38, 1-based): chr14:75,048,348, A>G on the plus strand (T>C on the coding strand, the complement: MLH3 is on the minus strand). VCF-style: chr14-75048348-A-G. GRCh37 (hg19) VCF-style: chr14-75515051-A-G.
Other names: c.1308T>C, p.Asn436= (NM_014381.3).
Identifiers: ClinVar variation 1769582 (VCV001769582.3), dbSNP rs2139586071, ClinGen allele CA487273547.